The following is an entry in ClinVar:

ClinVar aggregate classification (germline): Likely benign. Review status: criteria provided, single submitter (1 of 4 stars). 2 submissions from 2 submitters: Likely benign (1). 1 of the submissions does not count toward it. Last evaluated 2024-08-20.

Conditions:
CDK10-related disorder. Also called: CDK10-related condition.

Allele frequency attached by ClinVar (database versions not stated): ExAC 0.00055; 1000 Genomes Project 30x 0.00062; gnomAD 0.00093; 1000 Genomes Project 0.00100; TOPMed 0.00117; ESP Exome Variant Server 0.00161.
gnomAD v4.1: 226 of 1,557,226 alleles (0.015%); highest among the groups gnomAD compares: African/African-American, 0.28%; no homozygotes.

Submissions (2):

Blueprint Genetics
Classification: Likely benign. Last evaluated: 2024-08-20. Review status: criteria provided, single submitter. Criteria: ACMG Guidelines, 2015. Collection method: clinical testing. Allele origin: germline.

PreventionGenetics, part of Exact Sciences
Classification: Likely benign for CDK10-related condition. Last evaluated: 2019-09-10. Review status: no assertion criteria provided. Collection method: clinical testing. Allele origin: germline. Not counted in ClinVar's aggregate classification.
Comment: This variant is classified as likely benign based on ACMG/AMP sequence variant interpretation guidelines (Richards et al. 2015 PMID: 25741868, with internal and published modifications).

NM_052988.5(CDK10):c.792+7G>A

Gene: CDK10 (cyclin dependent kinase 10; plus strand). Cytogenetic location: 16q24.3.
Variant type: single nucleotide variant.
Coding change: c.792+7G>A on transcript NM_052988.5 (MANE Select); 7 bases into the intron after coding-DNA position 792, G replaced by A.
Molecular consequence: intron variant.
Genome position (GRCh38, 1-based): chr16:89,694,795, G>A. VCF-style: chr16-89694795-G-A. GRCh37 (hg19) VCF-style: chr16-89761203-G-A.
Other names: c.579+7G>A (NM_001160367.2, NM_052987.4, NM_001098533.3).
Identifiers: ClinVar variation 3039895 (VCV003039895.3), dbSNP rs371336768, ClinGen allele CA8248149.